The following is an entry in ClinVar:

ClinVar aggregate classification (germline): Uncertain significance (1 of 4 stars; one submission).

Submission:

Labcorp Genetics (formerly Invitae), Labcorp
Classification: Uncertain significance. Last evaluated: 2025-06-08. Review status: criteria provided, single submitter. Criteria: Invitae Variant Classification Sherloc (09022015). Collection method: clinical testing. Allele origin: germline.
Comment: This sequence change replaces arginine, which is basic and polar, with leucine, which is neutral and non-polar, at codon 375 of the WFS1 protein (p.Arg375Leu). This variant is not present in population databases (gnomAD no frequency). This variant has not been reported in the literature in individuals affected with WFS1-related conditions. Invitae Evidence Modeling of protein sequence and biophysical properties (such as structural, functional, and spatial information, amino acid conservation, physicochemical variation, residue mobility, and thermodynamic stability) has been performed for this missense variant. However, the output from this modeling did not meet the statistical confidence thresholds required to predict the impact of this variant on WFS1 protein function. In summary, the available evidence is currently insufficient to determine the role of this variant in disease. Therefore, it has been classified as a Variant of Uncertain Significance.

NM_006005.3(WFS1):c.1124G>T (p.Arg375Leu)

Gene: WFS1 (wolframin ER transmembrane glycoprotein; plus strand). Cytogenetic location: 4p16.1.
Variant type: single nucleotide variant.
Coding change: c.1124G>T on transcript NM_006005.3 (MANE Select); coding-DNA position 1124, G replaced by T.
Protein change: p.Arg375Leu; replaces arginine 375 with leucine.
Molecular consequence: missense variant.
Genome position (GRCh38, 1-based): chr4:6,300,919, G>T. VCF-style: chr4-6300919-G-T. GRCh37 (hg19) VCF-style: chr4-6302646-G-T.
Other names: c.1124G>T, p.Arg375Leu (NM_001145853.1); short protein forms R375L.
Identifiers: ClinVar variation 4802684 (VCV004802684.1).